The following is an entry in ClinVar:

ClinVar aggregate classification (germline): Uncertain significance. Review status: criteria provided, multiple submitters, no conflicts (2 of 4 stars). 2 submissions from 2 submitters: Uncertain significance (2). Last evaluated 2026-01-26.

Conditions:
Vissers-Bodmer syndrome. Identifiers: MedGen C5436647, MONDO:0033618, OMIM 619033.

Submissions (2):

Dasa
Classification: Uncertain significance for Vissers-Bodmer syndrome. Last evaluated: 2026-01-26. Review status: criteria provided, single submitter. Criteria: DASA Assertion Criteria. Collection method: clinical testing. Allele origin: germline.
Comment: NM_016284.5(CNOT1):c.310-3C>G is a splice-region variant predicted to affect normal RNA splicing. This variant is absent from population databases. Computational prediction algorithms are consistent with a deleterious effect. The currently available literature and clinical evidence are not sufficient to establish a definitive association between this variant and the reported condition. Therefore, this variant is classified as a variant of uncertain significance.

GeneDx
Classification: Uncertain significance. Last evaluated: 2023-01-18. Review status: criteria provided, single submitter. Criteria: GeneDx Variant Classification Process June 2021. Collection method: clinical testing. Allele origin: germline. Affected: yes.
Comment: Not observed at significant frequency in large population cohorts (gnomAD); In silico analysis supports a deleterious effect on splicing; Has not been previously published as pathogenic or benign to our knowledge

NM_016284.5(CNOT1):c.310-3C>G

Gene: CNOT1 (CCR4-NOT transcription complex subunit 1; minus strand). Cytogenetic location: 16q21.
Variant type: single nucleotide variant.
Coding change: c.310-3C>G on transcript NM_016284.5 (MANE Select); 3 bases into the intron before coding-DNA position 310, C replaced by G.
Molecular consequence: intron variant.
Genome position (GRCh38, 1-based): chr16:58,587,416, G>C on the plus strand (C>G on the coding strand, the complement: CNOT1 is on the minus strand). VCF-style: chr16-58587416-G-C. GRCh37 (hg19) VCF-style: chr16-58621320-G-C.
Other names: c.310-3C>G (NM_001265612.2, NM_206999.3).
Identifiers: ClinVar variation 2573764 (VCV002573764.3), dbSNP rs2544114997, ClinGen allele CA2580613884.